The following is an entry in ClinVar:

NM_002225.5(IVD):c.506_507insT (p.Gly170fs)

Gene: IVD (isovaleryl-CoA dehydrogenase; plus strand). Cytogenetic location: 15q15.1.
Variant type: Insertion.
Coding change: c.506_507insT on transcript NM_002225.5 (MANE Select); coding-DNA positions 506 to 507, T inserted.
Protein change: p.Gly170fs; shifts the reading frame from glycine 170.
Molecular consequence: frameshift variant. On other transcripts: non-coding transcript variant (1).
Genome position: GRCh38 VCF-style: chr15-40411309-C-CT. GRCh37 (hg19) VCF-style: chr15-40703508-C-CT.
Other names: c.416_417insT, p.Gly140fs (NM_001159508.3); c.458_459insT, p.Gly154fs (NM_001354597.3); c.506_507insT, p.Gly170fs (NM_001354598.3, NM_001354601.3); c.593_594insT, p.Gly199fs (NM_001354599.3, NM_001354600.3); short protein forms G170fs, G140fs, G154fs, G199fs.
Identifiers: ClinVar variation 2137648 (VCV002137648.6), dbSNP rs1462096457, ClinGen allele CA617232336.
Genomic context (GRCh38, chr15:40,411,309, plus strand): 5'-TTTCCTTGCAGCTGATCAGTGGTGAGTACATCGGAGCCCTGGCCATGAGTGAGCCCAATG[C>CT]AGGCTCTGATGTTGTCTCTATGAAGCTCAAAGCGGAAAAGAAAGGTGAGGCCACTCTCAA-3'

ClinVar aggregate classification (germline): Pathogenic/Likely pathogenic. Review status: criteria provided, multiple submitters, no conflicts (2 of 4 stars). 3 submissions from 3 submitters: Pathogenic (2); Likely pathogenic (1). Last evaluated 2023-11-07.

Conditions:
Isovaleryl-CoA dehydrogenase deficiency (IVA). Also called: IVD DEFICIENCY; Classic Isovaleric Acidemia; ISOVALERIC ACID CoA DEHYDROGENASE DEFICIENCY; Isovaleric acidemia. Identifiers: Orphanet 33, MedGen C0268575, MONDO:0009475, OMIM 243500.

Allele frequency attached by ClinVar (database versions not stated): gnomAD exomes below 0.00001; gnomAD 0.00001.

Submissions (3):

Labcorp Genetics (formerly Invitae), Labcorp
Classification: Pathogenic for Isovaleryl-CoA dehydrogenase deficiency. Last evaluated: 2023-11-07. Review status: criteria provided, single submitter. Criteria: Invitae Variant Classification Sherloc (09022015). Collection method: clinical testing. Allele origin: germline.
Comment: This sequence change creates a premature translational stop signal (p.Gly173Argfs*3) in the IVD gene. It is expected to result in an absent or disrupted protein product. Loss-of-function variants in IVD are known to be pathogenic (PMID: 16602101). This variant is present in population databases (no rsID available, gnomAD 0.007%). This premature translational stop signal has been observed in individual(s) with isovaleric acidemia (PMID: 25220015). This variant is also known as c.506_507insT. ClinVar contains an entry for this variant (Variation ID: 2137648). Algorithms developed to predict the effect of sequence changes on RNA splicing suggest that this variant may disrupt the consensus splice site. For these reasons, this variant has been classified as Pathogenic.

Baylor Genetics
Classification: Pathogenic for Isovaleryl-CoA dehydrogenase deficiency. Last evaluated: 2023-03-28. Review status: criteria provided, single submitter. Criteria: ACMG Guidelines, 2015. Collection method: clinical testing. Allele origin: unknown.

Department of Pathology and Laboratory Medicine, Sinai Health System
Classification: Likely pathogenic for Isovaleryl-CoA dehydrogenase deficiency. Last evaluated: 2023-01-25. Review status: criteria provided, single submitter. Criteria: ACMG Guidelines, 2015. Collection method: research. Allele origin: germline.

Literature cited by the submitters: PubMed 16602101 (cited by Labcorp Genetics (formerly Invitae), Labcorp); PubMed 25220015 (cited by Labcorp Genetics (formerly Invitae), Labcorp).